The following is an entry in ClinVar:

NM_015028.4(TNIK):c.2025A>G (p.Arg675=)

Gene: TNIK (TRAF2 and NCK interacting kinase; minus strand). Cytogenetic location: 3q26.2.
Variant type: single nucleotide variant.
Coding change: c.2025A>G on transcript NM_015028.4 (MANE Select); coding-DNA position 2025, A replaced by G.
Protein change: p.Arg675=; no amino-acid change (arginine 675 retained).
Molecular consequence: synonymous variant.
Genome position (GRCh38, 1-based): chr3:171,123,691, T>C on the plus strand (A>G on the coding strand, the complement: TNIK is on the minus strand). VCF-style: chr3-171123691-T-C. GRCh37 (hg19) VCF-style: chr3-170841480-T-C.
Other names: c.2025A>G, p.Arg675= (NM_001161560.3); c.1938A>G, p.Arg646= (NM_001161561.3, NM_001161562.3); c.1860A>G, p.Arg620= (NM_001161563.3, NM_001161564.3); c.1773A>G, p.Arg591= (NM_001161565.3, NM_001161566.3).
Identifiers: ClinVar variation 740304 (VCV000740304.24), dbSNP rs139405029, ClinGen allele CA2703347.

ClinVar aggregate classification (germline): Likely benign. Review status: criteria provided, multiple submitters, no conflicts (2 of 4 stars). 2 submissions from 2 submitters: Likely benign (2). Last evaluated 2024-04-01.

Allele frequency attached by ClinVar (database versions not stated): ESP Exome Variant Server 0.00025; gnomAD exomes 0.00030 and 0.00050; gnomAD 0.00043; TOPMed 0.00044; 1000 Genomes Project 30x 0.00047; 1000 Genomes Project 0.00060; ExAC 0.00071.
gnomAD v4.1: 764 of 1,568,900 alleles (0.049%); highest among the groups gnomAD compares: Non-Finnish European, 0.06%; 1 homozygote.

Submissions (2):

CeGaT Center for Human Genetics Tuebingen
Classification: Likely benign. Last evaluated: 2024-04-01. Review status: criteria provided, single submitter. Criteria: CeGaT Center For Human Genetics Tuebingen Variant Classification Criteria Version 2. Collection method: clinical testing. Allele origin: germline. Affected: yes. Observed: 1 variant allele.
Comment: TNIK: BP4

Labcorp Genetics (formerly Invitae), Labcorp
Classification: Likely benign. Last evaluated: 2019-12-31. Review status: criteria provided, single submitter. Criteria: Invitae Variant Classification Sherloc (09022015). Collection method: clinical testing. Allele origin: germline.